The following is an entry in ClinVar:

NM_014254.3(RXYLT1):c.88G>A (p.Gly30Arg)

Gene: RXYLT1 (ribitol xylosyltransferase 1; plus strand). Cytogenetic location: 12q14.2.
Variant type: single nucleotide variant.
Coding change: c.88G>A on transcript NM_014254.3 (MANE Select); coding-DNA position 88, G replaced by A.
Protein change: p.Gly30Arg; replaces glycine 30 with arginine.
Molecular consequence: missense variant. On other transcripts: 5 prime UTR variant (1).
Genome position (GRCh38, 1-based): chr12:63,780,048, G>A. VCF-style: chr12-63780048-G-A. GRCh37 (hg19) VCF-style: chr12-64173828-G-A.
Other names: c.-1026G>A (NM_001278237.2); short protein forms G30R.
Identifiers: ClinVar variation 999668 (VCV000999668.8), dbSNP rs1897636344, ClinGen allele CA385583902.

ClinVar aggregate classification (germline): Uncertain significance (1 of 4 stars; one submission).

Allele frequency attached by ClinVar (database versions not stated): gnomAD exomes below 0.00001.
gnomAD v4.1: 1 of 1,606,768 alleles (0.000062%); highest among the groups gnomAD compares: East Asian, 0.0023%; no homozygotes.

Submission:

Labcorp Genetics (formerly Invitae), Labcorp
Classification: Uncertain significance. Last evaluated: 2020-08-25. Review status: criteria provided, single submitter. Criteria: Invitae Variant Classification Sherloc (09022015). Collection method: clinical testing. Allele origin: germline.
Comment: In summary, the available evidence is currently insufficient to determine the role of this variant in disease. Therefore, it has been classified as a Variant of Uncertain Significance. Algorithms developed to predict the effect of sequence changes on RNA splicing suggest that this variant may create or strengthen a splice site, but this prediction has not been confirmed by published transcriptional studies. This sequence change replaces glycine with arginine at codon 30 of the RXYLT1 protein (p.Gly30Arg). The glycine residue is moderately conserved and there is a moderate physicochemical difference between glycine and arginine. This variant is not present in population databases (ExAC no frequency). This variant has not been reported in the literature in individuals with RXYLT1-related conditions. Algorithms developed to predict the effect of missense changes on protein structure and function (SIFT, PolyPhen-2, Align-GVGD) all suggest that this variant is likely to be tolerated, but these predictions have not been confirmed by published functional studies and their clinical significance is uncertain.